The following is an entry in ClinVar:

NM_000059.4(BRCA2):c.6052A>C (p.Ser2018Arg)

Gene: BRCA2 (BRCA2 DNA repair associated; plus strand). Cytogenetic location: 13q13.1.
Variant type: single nucleotide variant.
Coding change: c.6052A>C on transcript NM_000059.4 (MANE Select); coding-DNA position 6052, A replaced by C.
Protein change: p.Ser2018Arg; replaces serine 2018 with arginine.
Molecular consequence: missense variant. On other transcripts: non-coding transcript variant (1), intron variant (2).
Genome position (GRCh38, 1-based): chr13:32,340,407, A>C. VCF-style: chr13-32340407-A-C. GRCh37 (hg19) VCF-style: chr13-32914544-A-C.
Other names: c.6052A>C, p.Ser2018Arg (NM_001406719.1, NM_001406720.1); c.1910-4151A>C (NM_001406721.1); c.425-4151A>C (NM_001406722.1); short protein forms S2018R.
Identifiers: ClinVar variation 3227796 (VCV003227796.1), dbSNP rs2137523684, ClinGen allele CA387787884.

ClinVar aggregate classification (germline): Uncertain significance (1 of 4 stars; one submission).

Conditions:
Hereditary cancer-predisposing syndrome. Also called: Neoplastic Syndromes, Hereditary; Tumor predisposition; Hereditary neoplastic syndrome; Hereditary Cancer Syndrome. Identifiers: Orphanet 140162, MedGen C0027672, MeSH D009386, MONDO:0015356.

Submission:

Ambry Genetics
Classification: Uncertain significance for Hereditary cancer-predisposing syndrome. Last evaluated: 2024-02-14. Review status: criteria provided, single submitter. Criteria: Ambry Variant Classification Scheme 2023. Collection method: clinical testing. Allele origin: germline.
Comment: The p.S2018R variant (also known as c.6052A>C), located in coding exon 10 of the BRCA2 gene, results from an A to C substitution at nucleotide position 6052. The serine at codon 2018 is replaced by arginine, an amino acid with dissimilar properties. This amino acid position is not well conserved in available vertebrate species. In addition, this alteration is predicted to be tolerated by in silico analysis. Based on the available evidence, the clinical significance of this alteration remains unclear.